The following is an entry in ClinVar:

NM_145207.3(AFG2A):c.1592A>G (p.Asp531Gly)

Gene: AFG2A (AAA ATPase AFG2A; plus strand). Cytogenetic location: 4q28.1.
Variant type: single nucleotide variant.
Coding change: c.1592A>G on transcript NM_145207.3 (MANE Select); coding-DNA position 1592, A replaced by G.
Protein change: p.Asp531Gly; replaces aspartic acid 531 with glycine.
Molecular consequence: missense variant.
Genome position (GRCh38, 1-based): chr4:122,947,366, A>G. VCF-style: chr4-122947366-A-G. GRCh37 (hg19) VCF-style: chr4-123868521-A-G.
Other names: c.1589A>G, p.Asp530Gly (NM_001317799.2, NM_001345856.2); short protein forms D531G, D530G.
Identifiers: ClinVar variation 651284 (VCV000651284.5), dbSNP rs1578557046, ClinGen allele CA358108304.

ClinVar aggregate classification (germline): Uncertain significance (1 of 4 stars; one submission).

Conditions:
Microcephaly-intellectual disability-sensorineural hearing loss-epilepsy-abnormal muscle tone syndrome (NEDHSB). Also called: NEURODEVELOPMENTAL DISORDER WITH HEARING LOSS, SEIZURES, AND BRAIN ABNORMALITIES. Identifiers: Orphanet 457351, MedGen C4225276, MONDO:0014698, OMIM 616577.

gnomAD v4.1: 1 of 1,614,124 alleles (0.000062%); highest among the groups gnomAD compares: Non-Finnish European, 0.000085%; no homozygotes.

Submission:

Labcorp Genetics (formerly Invitae), Labcorp
Classification: Uncertain significance for Microcephaly-intellectual disability-sensorineural hearing loss-epilepsy-abnormal muscle tone syndrome. Last evaluated: 2018-07-03. Review status: criteria provided, single submitter. Criteria: Invitae Variant Classification Sherloc (09022015). Collection method: clinical testing. Allele origin: germline.
Comment: This sequence change replaces aspartic acid with glycine at codon 531 of the SPATA5 protein (p.Asp531Gly). The aspartic acid residue is highly conserved and there is a moderate physicochemical difference between aspartic acid and glycine. This variant is not present in population databases (ExAC no frequency). This variant has not been reported in the literature in individuals with SPATA5-related disease. Algorithms developed to predict the effect of missense changes on protein structure and function (SIFT, PolyPhen-2, Align-GVGD) all suggest that this variant is likely to be disruptive, but these predictions have not been confirmed by published functional studies and their clinical significance is uncertain. Algorithms developed to predict the effect of sequence changes on RNA splicing suggest that this variant may create or strengthen a splice site, but this prediction has not been confirmed by published transcriptional studies. In summary, the available evidence is currently insufficient to determine the role of this variant in disease. Therefore, it has been classified as a Variant of Uncertain Significance.